The following is an entry in ClinVar:

ClinVar aggregate classification (germline): Likely benign. Review status: criteria provided, multiple submitters, no conflicts (2 of 4 stars). 3 submissions from 3 submitters: Likely benign (2). 1 of the submissions does not count toward it. Last evaluated 2026-02-02.

Conditions:
Niemann-Pick disease, type C1. Also called: NIEMANN-PICK DISEASE, VARIANT TYPE C1; NEUROVISCERAL STORAGE DISEASE WITH VERTICAL SUPRANUCLEAR OPHTHALMOPLEGIA; NIEMANN-PICK DISEASE WITH CHOLESTEROL ESTERIFICATION BLOCK; NIEMANN-PICK DISEASE WITHOUT SPHINGOMYELINASE DEFICIENCY; NIEMANN-PICK DISEASE, CHRONIC NEURONOPATHIC FORM. Identifiers: Orphanet 646, MedGen C3179455, MONDO:0009757, OMIM 257220.
NPC1-related disorder. Also called: NPC1-related condition.

Submissions (3):

Labcorp Genetics (formerly Invitae), Labcorp
Classification: Likely benign for Niemann-Pick disease, type C1. Last evaluated: 2026-02-02. Review status: criteria provided, single submitter. Criteria: Invitae Variant Classification Sherloc (09022015). Collection method: clinical testing. Allele origin: germline.

Blueprint Genetics
Classification: Likely benign. Last evaluated: 2024-11-14. Review status: criteria provided, single submitter. Criteria: ACMG Guidelines, 2015. Collection method: clinical testing. Allele origin: germline.

PreventionGenetics, part of Exact Sciences
Classification: Likely benign for NPC1-related condition. Last evaluated: 2021-10-05. Review status: no assertion criteria provided. Collection method: clinical testing. Allele origin: germline. Not counted in ClinVar's aggregate classification.
Comment: This variant is classified as likely benign based on ACMG/AMP sequence variant interpretation guidelines (Richards et al. 2015 PMID: 25741868, with internal and published modifications).

NM_000271.5(NPC1):c.1947+16_1947+19dup

Gene: NPC1 (NPC intracellular cholesterol transporter 1; minus strand). Cytogenetic location: 18q11.2.
Variant type: Duplication.
Coding change: c.1947+16_1947+19dup on transcript NM_000271.5 (MANE Select); bases 16 to 19 of the intron after coding-DNA position 1947, 4 bases duplicated (GTGG; older notation c.1947+16_1947+19dupGTGG).
Molecular consequence: intron variant.
Genome position (GRCh38, 1-based): chr18:23,544,941-23,544,944, CCAC duplicated on the plus strand (GTGG on the coding strand, the reverse complement: NPC1 is on the minus strand); duplicating any 4 consecutive bases within chr18:23,544,941-23,544,946 gives the same sequence; the c. name uses the placement nearest the transcript's 3' end. VCF-style (leftmost placement, unchanged base first): chr18-23544940-A-ACCAC. GRCh37 (hg19) VCF-style: chr18-21124904-A-ACCAC.
Other names: c.1947+16_1947+19dupGTGG (NM_000271.4).
Identifiers: ClinVar variation 1647011 (VCV001647011.11), dbSNP rs1555634597, ClinGen allele CA8913283.